The following is an entry in ClinVar:

NM_002890.3(RASA1):c.148C>T (p.Pro50Ser)

Gene: RASA1 (RAS p21 protein activator 1; plus strand). Cytogenetic location: 5q14.3.
Variant type: single nucleotide variant.
Coding change: c.148C>T on transcript NM_002890.3 (MANE Select); coding-DNA position 148, C replaced by T.
Protein change: p.Pro50Ser; replaces proline 50 with serine.
Molecular consequence: missense variant.
Genome position (GRCh38, 1-based): chr5:87,268,599, C>T. VCF-style: chr5-87268599-C-T. GRCh37 (hg19) VCF-style: chr5-86564416-C-T.
Other names: short protein forms P50S.
Identifiers: ClinVar variation 4709760 (VCV004709760.1).

ClinVar aggregate classification (germline): Uncertain significance (1 of 4 stars; one submission).

Conditions:
Capillary malformation-arteriovenous malformation syndrome. Also called: Capillary malformation-arteriovenous malformation. Identifiers: Orphanet 137667, MedGen C1842180, MONDO:0012016.

gnomAD v4.1: 5 of 1,611,390 alleles (0.00031%); highest among the groups gnomAD compares: South Asian, 0.0055%; no homozygotes.

Submission:

Labcorp Genetics (formerly Invitae), Labcorp
Classification: Uncertain significance for Capillary malformation-arteriovenous malformation syndrome. Last evaluated: 2025-05-08. Review status: criteria provided, single submitter. Criteria: Invitae Variant Classification Sherloc (09022015). Collection method: clinical testing. Allele origin: germline.
Comment: This sequence change replaces proline, which is neutral and non-polar, with serine, which is neutral and polar, at codon 50 of the RASA1 protein (p.Pro50Ser). This variant is present in population databases (no rsID available, gnomAD 0.007%). This variant has not been reported in the literature in individuals affected with RASA1-related conditions. An algorithm developed to predict the effect of missense changes on protein structure and function outputs the following: PolyPhen-2: "Possibly Damaging". The serine amino acid residue is found in multiple mammalian species, which suggests that this missense change does not adversely affect protein function. In summary, the available evidence is currently insufficient to determine the role of this variant in disease. Therefore, it has been classified as a Variant of Uncertain Significance.